The following is an entry in ClinVar:

NM_020919.4(ALS2):c.1674C>A (p.Gly558=)

Gene: ALS2 (alsin Rho guanine nucleotide exchange factor ALS2; minus strand). Cytogenetic location: 2q33.1.
Variant type: single nucleotide variant.
Coding change: c.1674C>A on transcript NM_020919.4 (MANE Select); coding-DNA position 1674, C replaced by A.
Protein change: p.Gly558=; no amino-acid change (glycine 558 retained).
Molecular consequence: synonymous variant.
Genome position (GRCh38, 1-based): chr2:201,753,209, G>T on the plus strand (C>A on the coding strand, the complement: ALS2 is on the minus strand). VCF-style: chr2-201753209-G-T. GRCh37 (hg19) VCF-style: chr2-202617932-G-T.
Identifiers: ClinVar variation 750838 (VCV000750838.7), dbSNP rs750198886, ClinGen allele CA2058389.
Genomic context (GRCh38, chr2:201,753,209, plus strand): 5'-GGATTTCGCAGTAAGTGCAAGAGAATGGTAACCACCTGCCTCCAGATGGATTACTTCTTT[G>T]CCATCCAGACATTTTACACACAACGGTTGAAGCCTTAAAAAGAAACACACAGGCACACAA-3'
Protein context (NP_065970.2, residues 548-568): LQPLCVKCLD[Gly558=]KEVIHLEAGG

ClinVar aggregate classification (germline): Benign/Likely benign. Review status: criteria provided, multiple submitters, no conflicts (2 of 4 stars). 2 submissions from 2 submitters: Benign (1); Likely benign (1). Last evaluated 2026-09-04.

Conditions:
ALS2-related disorder. Also called: ALS2-related condition; ALS2-related disorders; ALS2-Related Spectrum Disorders. Identifiers: MedGen CN169291.
Infantile-onset ascending hereditary spastic paralysis (IAHSP). Also called: Infantile-Onset Ascending Hereditary Spastic Paralysis (IAHSP); Autosomal Recessive Juvenile Amyotrophic Lateral Sclerosis. Identifiers: Orphanet 293168, MedGen C2931441, MONDO:0011797, OMIM 607225. Disease mechanism: loss of function.

Allele frequency attached by ClinVar (database versions not stated): gnomAD exomes 0.00002 and 0.00014; TOPMed 0.00003; gnomAD 0.00004; ExAC 0.00011.

Submissions (2):

PreventionGenetics, part of Exact Sciences
Classification: Likely benign for ALS2-related condition. Last evaluated: 2026-09-04. Review status: criteria provided, single submitter. Criteria: ACMG Guidelines, 2015. Collection method: clinical testing. Allele origin: germline.
Comment: This variant is classified as likely benign based on ACMG/AMP sequence variant interpretation guidelines (Richards et al. 2015 PMID: 25741868, with internal and published modifications).

Labcorp Genetics (formerly Invitae), Labcorp
Classification: Benign for Infantile-onset ascending hereditary spastic paralysis. Last evaluated: 2023-09-10. Review status: criteria provided, single submitter. Criteria: Invitae Variant Classification Sherloc (09022015). Collection method: clinical testing. Allele origin: germline.